The following is an entry in ClinVar:

ClinVar aggregate classification (germline): Likely benign. Review status: criteria provided, multiple submitters, no conflicts (2 of 4 stars). 3 submissions from 3 submitters: Likely benign (3). Last evaluated 2026-01-25.

Conditions:
Malignant hyperthermia, susceptibility to, 1 (MHS1). Also called: Malignant hyperthermia suceptibility 1; RYR1-Related Malignant Hyperthermia Susceptibility; Anesthesia related hyperthermia; Malignant hyperpyrexia; Fulminating hyperpyrexia; Pharmacogenic myopathy. Identifiers: Orphanet 423, MedGen C2930980, MONDO:0007783, OMIM 145600.
RYR1-related disorder. Also called: RYR1-related condition; RYR1-related disorders. Identifiers: MedGen CN239331.

Allele frequency attached by ClinVar (database versions not stated): gnomAD 0.00001 and 0.00002; gnomAD exomes 0.00001 and 0.00002; ExAC 0.00003; TOPMed 0.00003.
gnomAD v4.1: 25 of 1,613,962 alleles (0.0015%); highest among the groups gnomAD compares: African/African-American, 0.012%; no homozygotes.

Submissions (3):

Labcorp Genetics (formerly Invitae), Labcorp
Classification: Likely benign for RYR1-related disorder. Last evaluated: 2026-01-25. Review status: criteria provided, single submitter. Criteria: Invitae Variant Classification Sherloc (09022015). Collection method: clinical testing. Allele origin: germline.

CeGaT Center for Human Genetics Tuebingen
Classification: Likely benign. Last evaluated: 2024-10-01. Review status: criteria provided, single submitter. Criteria: CeGaT Center For Human Genetics Tuebingen Variant Classification Criteria Version 2. Collection method: clinical testing. Allele origin: germline. Affected: yes. Observed: 1 variant allele.
Comment: RYR1: BP4, BP7

All of Us Research Program, National Institutes of Health
Classification: Likely benign for Malignant hyperthermia, susceptibility to, 1. Last evaluated: 2023-04-03. Review status: criteria provided, single submitter. Criteria: ACMG Guidelines, 2015. Collection method: clinical testing. Allele origin: germline. Inheritance: Autosomal dominant inheritance. Observed: 2 variant alleles, 2 heterozygotes.
Comment: This study involves interpretation of variants in research participants for the purpose of population health screening. Participant phenotype was not available at the time of variant classification. Additional details can be found in publication PMID: 35346344, PMCID: PMC8962531

NM_000540.3(RYR1):c.9819G>A (p.Thr3273=)

Gene: RYR1 (ryanodine receptor 1; plus strand). Cytogenetic location: 19q13.2.
Variant type: single nucleotide variant.
Coding change: c.9819G>A on transcript NM_000540.3 (MANE Select); coding-DNA position 9819, G replaced by A.
Protein change: p.Thr3273=; no amino-acid change (threonine 3273 retained).
Molecular consequence: synonymous variant.
Genome position (GRCh38, 1-based): chr19:38,517,492, G>A. VCF-style: chr19-38517492-G-A. GRCh37 (hg19) VCF-style: chr19-39008132-G-A.
Other names: c.9819G>A, p.Thr3273= (NM_001042723.2).
Identifiers: ClinVar variation 794234 (VCV000794234.24), dbSNP rs766177670, ClinGen allele CA074193.
Genomic context (GRCh38, chr19:38,517,492, plus strand): 5'-TGGGGGGCTGGCCGAGTCAGGTGCCCGCTACACAGAGATGCCGCATGTCATCGAGATCAC[G>A]CTGCCCATGCTATGCAGCTACCTGCCCCGATGGTGGGAGCGCGGGCCCGAGGCACCCCCT-3'
Protein context (NP_000531.2, residues 3263-3283): YTEMPHVIEI[Thr3273=]LPMLCSYLPR